The following is an entry in ClinVar:

ClinVar aggregate classification (germline): Pathogenic (1 of 4 stars; one submission).

Submission:

Clinical Genomics Laboratory, Laboratory for Precision Diagnostics, University of Washington
Classification: Pathogenic. Last evaluated: 2022-06-27. Review status: criteria provided, single submitter. Criteria: ACMG/ClinGen CNV Guidelines, 2019. Collection method: clinical testing. Allele origin: unknown. Affected: yes. Observed: 1 variant allele.
Comment: This deletion encompasses the entirety of the critical region for Wolf-Hirschhorn syndrome (OMIM# 194190).

Literature cited by the submitters: PubMed 33760347; PubMed 26239400; PubMed 18932124.

GRCh38/hg38 4p16.3-15.33(chr4:49556-12082367)x1

Genes: MIR943 (microRNA 943; minus strand), MIR95 (microRNA 95; minus strand), MRFAP1 (Morf4 family associated protein 1; plus strand), MRFAP1-AS1 (MRFAP1 antisense RNA 1; minus strand), MRFAP1L1 (Morf4 family associated protein 1 like 1; minus strand) and 573 more. Cytogenetic location: 4p16.3-15.33.
Variant type: copy number loss.
Change: copy number 1 (one copy instead of two) of chr4:49,556-12,082,367 (12.03 Mb, GRCh38 coordinates, 1-based), cytogenetic band 4p16.3-15.33.
Identifiers: ClinVar variation 4852095 (VCV004852095.1).